The following is an entry in ClinVar:

NM_000180.4(GUCY2D):c.145G>A (p.Ala49Thr)

Gene: GUCY2D (guanylate cyclase 2D, retinal; plus strand). Cytogenetic location: 17p13.1.
Variant type: single nucleotide variant.
Coding change: c.145G>A on transcript NM_000180.4 (MANE Select); coding-DNA position 145, G replaced by A.
Protein change: p.Ala49Thr; replaces alanine 49 with threonine.
Molecular consequence: missense variant.
Genome position (GRCh38, 1-based): chr17:8,003,192, G>A. VCF-style: chr17-8003192-G-A. GRCh37 (hg19) VCF-style: chr17-7906510-G-A.
Other names: short protein forms A49T.
Identifiers: ClinVar variation 2156638 (VCV002156638.4), dbSNP rs771232307, ClinGen allele CA397942835.

ClinVar aggregate classification (germline): Uncertain significance (1 of 4 stars; one submission).

Conditions:
Cone-rod dystrophy 6 (CORD6). Also called: Cone dystrophy progressive; RETINAL CONE DYSTROPHY 2. Identifiers: Orphanet 1872, MedGen C1866293, MONDO:0011143, OMIM 601777.
Leber congenital amaurosis 1 (LCA1). Also called: RETINAL BLINDNESS, CONGENITAL; AMAUROSIS CONGENITA OF LEBER I; Congenital absence of the rods and cones; Leber's congenital tapetoretinal degeneration; Leber's congenital tapetoretinal dysplasia. Identifiers: Orphanet 65, MedGen C2931258, MONDO:0008764, OMIM 204000.

gnomAD v4.1: 3 of 1,517,348 alleles (0.0002%); highest among the groups gnomAD compares: African/African-American, 0.0029%; no homozygotes.

Submission:

Labcorp Genetics (formerly Invitae), Labcorp
Classification: Uncertain significance for Leber congenital amaurosis 1; Cone-rod dystrophy 6. Last evaluated: 2022-04-01. Review status: criteria provided, single submitter. Criteria: Invitae Variant Classification Sherloc (09022015). Collection method: clinical testing. Allele origin: germline.
Comment: In summary, the available evidence is currently insufficient to determine the role of this variant in disease. Therefore, it has been classified as a Variant of Uncertain Significance. Algorithms developed to predict the effect of missense changes on protein structure and function output the following: SIFT: "Tolerated"; PolyPhen-2: "Benign"; Align-GVGD: "Class C0". The threonine amino acid residue is found in multiple mammalian species, which suggests that this missense change does not adversely affect protein function. This variant has not been reported in the literature in individuals affected with GUCY2D-related conditions. This variant is not present in population databases (gnomAD no frequency). This sequence change replaces alanine, which is neutral and non-polar, with threonine, which is neutral and polar, at codon 49 of the GUCY2D protein (p.Ala49Thr).